The following is an entry in ClinVar:

NM_006030.4(CACNA2D2):c.2308G>A (p.Asp770Asn)

Genes: CACNA2D2 (calcium voltage-gated channel auxiliary subunit alpha2delta 2; minus strand), LOC127898564 (CYB561D2-LOC101928965; plus strand), LOC101928965 (uncharacterized LOC101928965; plus strand). Cytogenetic location: 3p21.31.
Variant type: single nucleotide variant.
Coding change: c.2308G>A on transcript NM_006030.4 (MANE Select); coding-DNA position 2308, G replaced by A.
Protein change: p.Asp770Asn; replaces aspartic acid 770 with asparagine.
Molecular consequence: missense variant.
Genome position (GRCh38, 1-based): chr3:50,367,487, C>T on the plus strand (G>A on the coding strand, the complement: CACNA2D2 is on the minus strand). VCF-style: chr3-50367487-C-T. GRCh37 (hg19) VCF-style: chr3-50404918-C-T.
Other names: c.2308G>A, p.Asp770Asn (NM_001005505.3, NM_001410768.1); c.2329G>A, p.Asp777Asn (NM_001174051.3); c.2101G>A, p.Asp701Asn (NM_001291101.1); short protein forms D701N, D777N, D770N.
Identifiers: ClinVar variation 1993759 (VCV001993759.4), dbSNP rs2470988430, ClinGen allele CA352913876.

ClinVar aggregate classification (germline): Uncertain significance (1 of 4 stars; one submission).

Conditions:
Early-infantile DEE. Also called: Ohtahara syndrome; Early infantile epileptic encephalopathy; Early infantile epileptic encephalopathy with suppression bursts. Identifiers: Orphanet 1934, MedGen C0393706, MONDO:0800491.

Submission:

Labcorp Genetics (formerly Invitae), Labcorp
Classification: Uncertain significance for Early-infantile DEE. Last evaluated: 2024-12-02. Review status: criteria provided, single submitter. Criteria: Invitae Variant Classification Sherloc (09022015). Collection method: clinical testing. Allele origin: germline.
Comment: This sequence change replaces aspartic acid, which is acidic and polar, with asparagine, which is neutral and polar, at codon 770 of the CACNA2D2 protein (p.Asp770Asn). This variant is not present in population databases (gnomAD no frequency). This variant has not been reported in the literature in individuals affected with CACNA2D2-related conditions. ClinVar contains an entry for this variant (Variation ID: 1993759). An algorithm developed to predict the effect of missense changes on protein structure and function (PolyPhen-2) suggests that this variant is likely to be disruptive. In summary, the available evidence is currently insufficient to determine the role of this variant in disease. Therefore, it has been classified as a Variant of Uncertain Significance.